The following is an entry in ClinVar:

NM_001429.4(EP300):c.2652G>A (p.Gln884=)

Gene: EP300 (EP300 lysine acetyltransferase; plus strand). Cytogenetic location: 22q13.2.
Variant type: single nucleotide variant.
Coding change: c.2652G>A on transcript NM_001429.4 (MANE Select); coding-DNA position 2652, G replaced by A.
Protein change: p.Gln884=; no amino-acid change (glutamine 884 retained).
Molecular consequence: synonymous variant.
Genome position (GRCh38, 1-based): chr22:41,150,033, G>A. VCF-style: chr22-41150033-G-A. GRCh37 (hg19) VCF-style: chr22-41546037-G-A.
Other names: c.2574G>A, p.Gln858= (NM_001362843.2).
Identifiers: ClinVar variation 3348943 (VCV003348943.2).

ClinVar aggregate classification (germline): Likely benign. Review status: criteria provided, single submitter (1 of 4 stars). 2 submissions from 2 submitters: Likely benign (1). 1 of the submissions does not count toward it. Last evaluated 2023-03-28.

Conditions:
EP300-related disorder. Also called: EP300-related condition; EP300-related disorders.

Submissions (2):

Blueprint Genetics
Classification: Likely benign. Last evaluated: 2023-03-28. Review status: criteria provided, single submitter. Criteria: ACMG Guidelines, 2015. Collection method: clinical testing. Allele origin: germline.

PreventionGenetics, part of Exact Sciences
Classification: Likely benign for EP300-related condition. Last evaluated: 2024-02-08. Review status: no assertion criteria provided. Collection method: clinical testing. Allele origin: germline. Not counted in ClinVar's aggregate classification.
Comment: This variant is classified as likely benign based on ACMG/AMP sequence variant interpretation guidelines (Richards et al. 2015 PMID: 25741868, with internal and published modifications).